The following is an entry in ClinVar:

ClinVar aggregate classification (germline): Likely pathogenic (1 of 4 stars; one submission).

Submission:

Labcorp Genetics (formerly Invitae), Labcorp
Classification: Likely pathogenic. Last evaluated: 2022-05-30. Review status: criteria provided, single submitter. Criteria: Invitae Variant Classification Sherloc (09022015). Collection method: clinical testing. Allele origin: germline.
Comment: In summary, the currently available evidence indicates that the variant is pathogenic, but additional data are needed to prove that conclusively. Therefore, this variant has been classified as Likely Pathogenic. Algorithms developed to predict the effect of sequence changes on RNA splicing suggest that this variant may disrupt the consensus splice site. This variant has not been reported in the literature in individuals affected with FLNB-related conditions. This variant is not present in population databases (gnomAD no frequency). This sequence change affects a donor splice site in intron 24 of the FLNB gene. It is expected to disrupt RNA splicing. Variants that disrupt the donor or acceptor splice site typically lead to a loss of protein function (PMID: 16199547), and loss-of-function variants in FLNB are known to be pathogenic (PMID: 14991055).

Literature cited by the submitters: PubMed 16199547; PubMed 14991055.

NM_001457.4(FLNB):c.4222+2T>G

Gene: FLNB (filamin B; plus strand). Cytogenetic location: 3p14.3.
Variant type: single nucleotide variant.
Coding change: c.4222+2T>G on transcript NM_001457.4 (MANE Select); the canonical splice donor site of the intron after coding-DNA position 4222, T replaced by G.
Molecular consequence: splice donor variant.
Genome position (GRCh38, 1-based): chr3:58,126,764, T>G. VCF-style: chr3-58126764-T-G. GRCh37 (hg19) VCF-style: chr3-58112491-T-G.
Other names: c.4222+2T>G (NM_001164317.2, NM_001164318.2, NM_001164319.2).
Identifiers: ClinVar variation 2001218 (VCV002001218.4), dbSNP rs2471135131, ClinGen allele CA353350464.
Genomic context (GRCh38, chr3:58,126,764, plus strand): 5'-TCCTTTCGCACCGGGGGATTACGATGTTAATATCACATATGGAGGAGCCCACATCCCCGG[T>G]GAGCTATTCCTCAGAGAGGACCCCAGAGAATAATTGATTTTGCAGGAAAATGGGTTTGAT-3'